The following is an entry in ClinVar:

ClinVar aggregate classification (germline): Benign (1 of 4 stars; one submission).

Allele frequency attached by ClinVar (database versions not stated): 1000 Genomes Project 30x 0.77436; TOPMed 0.77722; 1000 Genomes Project 0.78315; gnomAD 0.78976 and 0.79962.
gnomAD v4.1: 121,861 of 152,112 alleles (80%); highest among the groups gnomAD compares: East Asian, 98%; 52,920 homozygotes.

Submission:

GeneDx
Classification: Benign. Last evaluated: 2018-06-14. Review status: criteria provided, single submitter. Criteria: GeneDx Variant Classification (06012015). Collection method: clinical testing. Allele origin: germline. Affected: yes.
Comment: This variant is considered likely benign or benign based on one or more of the following criteria: it is a conservative change, it occurs at a poorly conserved position in the protein, it is predicted to be benign by multiple in silico algorithms, and/or has population frequency not consistent with disease.

NM_015340.4(LARS2):c.2404+265G>A

Gene: LARS2 (leucyl-tRNA synthetase 2, mitochondrial; plus strand). Cytogenetic location: 3p21.31.
Variant type: single nucleotide variant.
Coding change: c.2404+265G>A on transcript NM_015340.4 (MANE Select); 265 bases into the intron after coding-DNA position 2404, G replaced by A.
Molecular consequence: intron variant.
Genome position (GRCh38, 1-based): chr3:45,524,373, G>A. VCF-style: chr3-45524373-G-A. GRCh37 (hg19) VCF-style: chr3-45565865-G-A.
Other names: c.2404+265G>A (NM_001368263.1).
Identifiers: ClinVar variation 684184 (VCV000684184.1), dbSNP rs267219, ClinGen allele CA11581581.
Genomic context (GRCh38, chr3:45,524,373, plus strand): 5'-GCTTTGAATAATGTGCCCAGACTAATGTGGGTGTTGATGTTACCATCTTAATCCCTTCTC[G>A]TGACTCAGCCCCCCAGTATCCACATATTATGACCTGCGTGGTCTTTTTAAGATAAAAACT-3'